The following is an entry in ClinVar:

NM_001329943.3(KIAA0586):c.3544A>G (p.Lys1182Glu)

Gene: KIAA0586 (KIAA0586; plus strand). Cytogenetic location: 14q23.1.
Variant type: single nucleotide variant.
Coding change: c.3544A>G on transcript NM_001329943.3 (MANE Select); coding-DNA position 3544, A replaced by G.
Protein change: p.Lys1182Glu; replaces lysine 1182 with glutamic acid.
Molecular consequence: missense variant.
Genome position (GRCh38, 1-based): chr14:58,488,637, A>G. VCF-style: chr14-58488637-A-G. GRCh37 (hg19) VCF-style: chr14-58955355-A-G.
Other names: c.3703A>G, p.Lys1235Glu (NM_001244189.2); c.3499A>G, p.Lys1167Glu (NM_001244190.2); c.3289A>G, p.Lys1097Glu (NM_001244191.2, NM_001329945.2, NM_001364700.1 and 1 more transcripts); c.3412A>G, p.Lys1138Glu (NM_001244192.2); c.3124A>G, p.Lys1042Glu (NM_001244193.2); c.3544A>G, p.Lys1182Glu (NM_001329944.2, NM_001329946.2, NM_001329947.2); c.3316A>G, p.Lys1106Glu (NM_014749.5); short protein forms K1167E, K1182E, K1106E, K1235E, K1042E, K1138E, K1097E.
Identifiers: ClinVar variation 1951671 (VCV001951671.5), dbSNP rs778504122, ClinGen allele CA7206194.

ClinVar aggregate classification (germline): Uncertain significance (1 of 4 stars; one submission).

Conditions:
Joubert syndrome 23 (JBTS23). Identifiers: Orphanet 475, MedGen C4084822, MONDO:0014664, OMIM 616490.
Short-rib thoracic dysplasia 14 with polydactyly (SRTD14). Identifiers: Orphanet 397715, MedGen C4225286, MONDO:0014688, OMIM 616546.

Allele frequency attached by ClinVar (database versions not stated): TOPMed below 0.00001; ExAC 0.00001; gnomAD 0.00001.

Submission:

Labcorp Genetics (formerly Invitae), Labcorp
Classification: Uncertain significance for Joubert syndrome 23; Short-rib thoracic dysplasia 14 with polydactyly. Last evaluated: 2023-08-04. Review status: criteria provided, single submitter. Criteria: Invitae Variant Classification Sherloc (09022015). Collection method: clinical testing. Allele origin: germline.
Comment: This variant is not present in population databases (gnomAD no frequency). This sequence change replaces lysine, which is basic and polar, with glutamic acid, which is acidic and polar, at codon 1235 of the KIAA0586 protein (p.Lys1235Glu). This variant has not been reported in the literature in individuals affected with KIAA0586-related conditions. In summary, the available evidence is currently insufficient to determine the role of this variant in disease. Therefore, it has been classified as a Variant of Uncertain Significance. Advanced modeling of protein sequence and biophysical properties (such as structural, functional, and spatial information, amino acid conservation, physicochemical variation, residue mobility, and thermodynamic stability) performed at Invitae indicates that this missense variant is not expected to disrupt KIAA0586 protein function. ClinVar contains an entry for this variant (Variation ID: 1951671).